The following is an entry in ClinVar:

NM_007289.4(MME):c.1498-3C>G

Gene: MME (membrane metalloendopeptidase; plus strand). Cytogenetic location: 3q25.2.
Variant type: single nucleotide variant.
Coding change: c.1498-3C>G on transcript NM_007289.4 (MANE Select); 3 bases into the intron before coding-DNA position 1498, C replaced by G.
Molecular consequence: intron variant.
Genome position (GRCh38, 1-based): chr3:155,148,547, C>G. VCF-style: chr3-155148547-C-G. GRCh37 (hg19) VCF-style: chr3-154866336-C-G.
Other names: c.1498-3C>G (NM_001354642.2, NM_000902.5, NM_007287.4 and 2 more transcripts).
Identifiers: ClinVar variation 1353433 (VCV001353433.6), dbSNP rs1417837337, ClinGen allele CA547026372.

ClinVar aggregate classification (germline): Uncertain significance (1 of 4 stars; one submission).

Allele frequency attached by ClinVar (database versions not stated): gnomAD exomes below 0.00001; TOPMed below 0.00001; gnomAD 0.00001.
gnomAD v4.1: 1 of 1,579,318 alleles (0.000063%); highest among the groups gnomAD compares: Non-Finnish European, 0.000087%; no homozygotes.

Submission:

Labcorp Genetics (formerly Invitae), Labcorp
Classification: Uncertain significance. Last evaluated: 2025-06-16. Review status: criteria provided, single submitter. Criteria: Invitae Variant Classification Sherloc (09022015). Collection method: clinical testing. Allele origin: germline.
Comment: This sequence change falls in intron 15 of the MME gene. It does not directly change the encoded amino acid sequence of the MME protein. It affects a nucleotide within the consensus splice site. This variant is present in population databases (no rsID available, gnomAD 0.0009%). This variant has not been reported in the literature in individuals affected with MME-related conditions. ClinVar contains an entry for this variant (Variation ID: 1353433). Variants that disrupt the consensus splice site are a relatively common cause of aberrant splicing (PMID: 17576681, 9536098). Algorithms developed to predict the effect of sequence changes on RNA splicing suggest that this variant may disrupt the consensus splice site. In summary, the available evidence is currently insufficient to determine the role of this variant in disease. Therefore, it has been classified as a Variant of Uncertain Significance.

Literature cited by the submitters: PubMed 17576681; PubMed 9536098.